The following is an entry in ClinVar:

ClinVar aggregate classification (germline): Uncertain significance (1 of 4 stars; one submission).

Conditions:
Long QT syndrome (LQTS). Identifiers: MedGen C0023976, MeSH D008133, MONDO:0002442. Disease mechanism: loss of function. Inheritance: Various modes of inheritance.

Allele frequency attached by ClinVar (database versions not stated): TOPMed below 0.00001; ExAC 0.00001; gnomAD exomes 0.00001.
gnomAD v4.1: 3 of 1,613,922 alleles (0.00019%); highest among the groups gnomAD compares: Admixed American, 0.0033%; no homozygotes.

Submission:

Labcorp Genetics (formerly Invitae), Labcorp
Classification: Uncertain significance for Long QT syndrome. Last evaluated: 2025-08-10. Review status: criteria provided, single submitter. Criteria: Invitae Variant Classification Sherloc (09022015). Collection method: clinical testing. Allele origin: germline.
Comment: This sequence change replaces alanine, which is neutral and non-polar, with threonine, which is neutral and polar, at codon 1142 of the AKAP9 protein (p.Ala1142Thr). This variant is present in population databases (rs751790095, gnomAD 0.006%). This variant has not been reported in the literature in individuals affected with AKAP9-related conditions. ClinVar contains an entry for this variant (Variation ID: 1353531). An algorithm developed to predict the effect of missense changes on protein structure and function (PolyPhen-2) suggests that this variant is likely to be disruptive. In summary, the available evidence is currently insufficient to determine the role of this variant in disease. Therefore, it has been classified as a Variant of Uncertain Significance.

NM_005751.5(AKAP9):c.3424G>A (p.Ala1142Thr)

Gene: AKAP9 (A-kinase anchoring protein 9; plus strand). Cytogenetic location: 7q21.2.
Variant type: single nucleotide variant.
Coding change: c.3424G>A on transcript NM_005751.5 (MANE Select); coding-DNA position 3424, G replaced by A.
Protein change: p.Ala1142Thr; replaces alanine 1142 with threonine.
Molecular consequence: missense variant.
Genome position (GRCh38, 1-based): chr7:92,012,534, G>A. VCF-style: chr7-92012534-G-A. GRCh37 (hg19) VCF-style: chr7-91641848-G-A.
Other names: c.3424G>A, p.Ala1142Thr (NM_147185.3); short protein forms A1142T.
Identifiers: ClinVar variation 1353531 (VCV001353531.6), dbSNP rs751790095, ClinGen allele CA4336303.
Genomic context (GRCh38, chr7:92,012,534, plus strand): 5'-CTGGTTTATTCAACTCATGTGGATCAGGTTCGTGAATATATGGAAAATGAAAAAGATAAA[G>A]CTCTTTGCAGTCTTAAAGAAGAGCTTATTTTTGCTCAAGAGGAAAAGATCAAGGAACTTC-3'
Protein context (NP_005742.4, residues 1132-1152): REYMENEKDK[Ala1142Thr]LCSLKEELIF